The following is an entry in ClinVar:

ClinVar aggregate classification (germline): Benign/Likely benign. Review status: criteria provided, multiple submitters, no conflicts (2 of 4 stars). 2 submissions from 2 submitters: Benign (1); Likely benign (1). Last evaluated 2025-11-21.

Conditions:
Tuberous sclerosis 2 (TSC2). Identifiers: Orphanet 805, MedGen C1860707, MONDO:0013199, OMIM 613254.

Submissions (2):

Labcorp Genetics (formerly Invitae), Labcorp
Classification: Likely benign for Tuberous sclerosis 2. Last evaluated: 2025-11-21. Review status: criteria provided, single submitter. Criteria: Invitae Variant Classification Sherloc (09022015). Collection method: clinical testing. Allele origin: germline.

Myriad Genetics, Inc.
Classification: Benign for Tuberous sclerosis 2. Last evaluated: 2025-05-21. Review status: criteria provided, single submitter. Criteria: Myriad Autosomal Dominant, Autosomal Recessive and X-Linked Classification Criteria (2023). Collection method: clinical testing. Allele origin: unknown.
Comment: This variant is considered benign. This variant is a silent/synonymous amino acid change and it is not expected to impact splicing.

NM_000548.5(TSC2):c.2676C>T (p.Val892=)

Gene: TSC2 (TSC complex subunit 2; plus strand). Cytogenetic location: 16p13.3.
Variant type: single nucleotide variant.
Coding change: c.2676C>T on transcript NM_000548.5 (MANE Select); coding-DNA position 2676, C replaced by T.
Protein change: p.Val892=; no amino-acid change (valine 892 retained).
Molecular consequence: synonymous variant. On other transcripts: non-coding transcript variant (5).
Genome position (GRCh38, 1-based): chr16:2,076,104, C>T. VCF-style: chr16-2076104-C-T. GRCh37 (hg19) VCF-style: chr16-2126105-C-T.
Other names: c.2766C>T, p.Val922= (NM_001406667.1, NM_001406668.1); c.2565C>T, p.Val855= (NM_001406670.1, NM_001406678.1, NM_001318827.2); c.2664C>T, p.Val888= (NM_001406671.1, NM_001406673.1); c.2529C>T, p.Val843= (NM_001406675.1, NM_001406676.1, NM_001406679.1 and 1 more transcripts); c.2619C>T, p.Val873= (NM_001406677.1); c.2076C>T, p.Val692= (NM_001406680.1, NM_001406682.1, NM_001406683.1 and 6 more transcripts); c.2214C>T, p.Val738= (NM_001406681.1); c.2676C>T, p.Val892= (NM_001077183.3, NM_001114382.3, NM_001363528.2 and 6 more transcripts); and 3 more.
Identifiers: ClinVar variation 4071252 (VCV004071252.2).